The following is an entry in ClinVar:

ClinVar aggregate classification (germline): Conflicting classifications of pathogenicity. Review status: criteria provided, conflicting classifications (1 of 4 stars). 2 submissions from 2 submitters: Uncertain significance (1); Likely benign (1). Last evaluated 2024-04-29.

Submissions (2):

Women's Health and Genetics/Laboratory Corporation of America, LabCorp
Classification: Likely benign. Last evaluated: 2024-04-29. Review status: criteria provided, single submitter. Criteria: LabCorp Variant Classification Summary - May 2015. Collection method: clinical testing. Allele origin: germline.
Comment: Variant summary: PNPLA6 c.1491+10_1491+18delinsGT alters a nucleotide located at a position not widely known to affect splicing. Consensus agreement among computation tools predict no significant impact on normal splicing. However, these predictions have yet to be confirmed by functional studies. The variant was absent in 279794 control chromosomes. The available data on variant occurrences in the general population are insufficient to allow any conclusion about variant significance. To our knowledge, no occurrence of c.1491+10_1491+18delinsGT in individuals affected with PNPLA6-Related Disorders and no experimental evidence demonstrating its impact on protein function have been reported. No submitters have cited clinical-significance assessments for this variant to ClinVar. Based on the evidence outlined above, the variant was classified as likely benign.

Blueprint Genetics
Classification: Uncertain significance. Last evaluated: 2020-06-15. Review status: criteria provided, single submitter. Criteria: ACMG Guidelines, 2015. Collection method: clinical testing. Allele origin: germline.

NM_001166114.2(PNPLA6):c.1608+10_1608+18delinsGT

Gene: PNPLA6 (patatin like domain 6, lysophospholipase; plus strand). Cytogenetic location: 19p13.2.
Variant type: Indel.
Coding change: c.1608+10_1608+18delinsGT on transcript NM_001166114.2 (MANE Select); bases 10 to 18 of the intron after coding-DNA position 1608, ACCCCTGAC replaced by GT.
Molecular consequence: intron variant.
Genome position (GRCh38, 1-based): chr19:7,543,094-7,543,102, ACCCCTGAC replaced by GT. VCF-style: chr19-7543094-ACCCCTGAC-GT. GRCh37 (hg19) VCF-style: chr19-7607980-ACCCCTGAC-GT.
Other names: c.1491+10_1491+18delinsGT (NM_006702.5, NM_001166113.1); c.1413+166_1413+174delinsGT (NM_001166112.2); c.1635+10_1635+18delinsGT (NM_001166111.2).
Identifiers: ClinVar variation 3251258 (VCV003251258.2), dbSNP rs2512509821.